The following is an entry in ClinVar:

ClinVar aggregate classification (germline): Likely pathogenic (0 of 4 stars; one submission).

Conditions:
Muscular dystrophy-dystroglycanopathy (congenital with impaired intellectual development), type B, 14. Also called: Muscular dystrophy-dystroglycanopathy (congenital with intellectual disability), type B14; MUSCULAR DYSTROPHY, CONGENITAL, GMPPB-RELATED; Congenital muscular dystrophy-dystroglycanopathy with mental retardation, type B14. Identifiers: MedGen C3809221, MONDO:0014141, OMIM 615351.

Submission:

Diagnostics Division, CENTRE FOR DNA FINGERPRINTING AND DIAGNOSTICS
Classification: Likely pathogenic for Muscular dystrophy-dystroglycanopathy (congenital with impaired intellectual development), type B, 14. Last evaluated: 2016-01-01. Review status: no assertion criteria provided. Collection method: research. Allele origin: germline. Affected: yes. Observed: 1 compound heterozygote.
Comment: Missense and splice-site variants

NM_021971.2(GMPPB):c.[1000G>A];[951+1G>A]

Variant type: CompoundHeterozygote.
Identifiers: ClinVar variation 424823 (VCV000424823.3).